The following is an entry in ClinVar:

NM_001378778.1(MPDZ):c.2514A>G (p.Glu838=)

Gene: MPDZ (multiple PDZ domain crumbs cell polarity complex component; minus strand). Cytogenetic location: 9p23.
Variant type: single nucleotide variant.
Coding change: c.2514A>G on transcript NM_001378778.1 (MANE Select); coding-DNA position 2514, A replaced by G.
Protein change: p.Glu838=; no amino-acid change (glutamic acid 838 retained).
Molecular consequence: synonymous variant.
Genome position (GRCh38, 1-based): chr9:13,183,553, T>C on the plus strand (A>G on the coding strand, the complement: MPDZ is on the minus strand). VCF-style: chr9-13183553-T-C. GRCh37 (hg19) VCF-style: chr9-13183552-T-C.
Other names: c.2514A>G, p.Glu838= (NM_001261406.2, NM_001261407.2, NM_001330637.2 and 14 more transcripts).
Identifiers: ClinVar variation 747379 (VCV000747379.32), dbSNP rs200906029, ClinGen allele CA4987426.

ClinVar aggregate classification (germline): Likely benign. Review status: criteria provided, multiple submitters, no conflicts (2 of 4 stars). 2 submissions from 2 submitters: Likely benign (2). Last evaluated 2026-01-04.

Allele frequency attached by ClinVar (database versions not stated): TOPMed 0.00006; gnomAD 0.00008 and 0.00009; gnomAD exomes 0.00008 and 0.00013; ExAC 0.00011.
gnomAD v4.1: 205 of 1,612,382 alleles (0.013%); highest among the groups gnomAD compares: Non-Finnish European, 0.016%; no homozygotes.

Submissions (2):

Labcorp Genetics (formerly Invitae), Labcorp
Classification: Likely benign. Last evaluated: 2026-01-04. Review status: criteria provided, single submitter. Criteria: Invitae Variant Classification Sherloc (09022015). Collection method: clinical testing. Allele origin: germline.

CeGaT Center for Human Genetics Tuebingen
Classification: Likely benign. Last evaluated: 2022-03-01. Review status: criteria provided, single submitter. Criteria: CeGaT Center For Human Genetics Tuebingen Variant Classification Criteria Version 2. Collection method: clinical testing. Allele origin: germline. Affected: yes. Observed: 1 variant allele.
Comment: MPDZ: BP4, BP7